The following is an entry in ClinVar:

NM_000059.4(BRCA2):c.4627A>G (p.Lys1543Glu)

Gene: BRCA2 (BRCA2 DNA repair associated; plus strand). Cytogenetic location: 13q13.1.
Variant type: single nucleotide variant.
Coding change: c.4627A>G on transcript NM_000059.4 (MANE Select); coding-DNA position 4627, A replaced by G.
Protein change: p.Lys1543Glu; replaces lysine 1543 with glutamic acid.
Molecular consequence: missense variant.
Genome position (GRCh38, 1-based): chr13:32,338,982, A>G. VCF-style: chr13-32338982-A-G. GRCh37 (hg19) VCF-style: chr13-32913119-A-G.
Other names: short protein forms K1543E.
Identifiers: ClinVar variation 188363 (VCV000188363.23), dbSNP rs786204239, ClinGen allele CA020550.

ClinVar aggregate classification (germline): Conflicting classifications of pathogenicity. Review status: criteria provided, conflicting classifications (1 of 4 stars). 8 submissions from 8 submitters: Uncertain significance (6); Likely benign (2). Last evaluated 2025-11-17.

Conditions:
Hereditary breast ovarian cancer syndrome. Also called: Hereditary breast and ovarian cancer; Hereditary breast and ovarian cancer syndrome; Breast and ovarian cancer; Hereditary breast and ovarian cancer syndrome (HBOC); Hereditary breast and/or ovarian cancer syndrome; BRCA1- and BRCA2-Associated Hereditary Breast and Ovarian Cancer. Identifiers: Orphanet 145, MedGen C0677776, MeSH D061325, MONDO:0003582. Disease mechanism: loss of function.
Breast-ovarian cancer, familial, susceptibility to, 2 (BROVCA2). Also called: BRCA2 Hereditary Breast and Ovarian Cancer. Identifiers: Orphanet 145, MedGen C2675520, MONDO:0012933, OMIM 612555. Disease mechanism: loss of function.
Hereditary cancer-predisposing syndrome. Also called: Hereditary Cancer Syndrome; Neoplastic Syndromes, Hereditary; Tumor predisposition; Hereditary neoplastic syndrome. Identifiers: Orphanet 140162, MedGen C0027672, MeSH D009386, MONDO:0015356.
Familial cancer of breast. Also called: BREAST CANCER, FAMILIAL; Hereditary breast cancer; hereditary breast carcinoma. Identifiers: Orphanet 227535, MedGen C0346153, MONDO:0016419, OMIM 114480. Disease mechanism: loss of function.

Submissions (8):

Ambry Genetics
Classification: Uncertain significance for Hereditary cancer-predisposing syndrome. Last evaluated: 2025-11-17. Review status: criteria provided, single submitter. Criteria: Ambry Variant Classification Scheme 2023. Collection method: clinical testing. Allele origin: germline.
Comment: The p.K1543E variant (also known as c.4627A>G), located in coding exon 10 of the BRCA2 gene, results from an A to G substitution at nucleotide position 4627. The lysine at codon 1543 is replaced by glutamic acid, an amino acid with similar properties. In one study, this alteration was detected in 1/418 Brazilian patients who met NCCN criteria for BRCA1/2 testing (Alemar B et al. PLoS ONE, 2017 Nov;12:e0187630). This amino acid position is not well conserved in available vertebrate species. In addition, the in silico prediction for this alteration is inconclusive. Since supporting evidence is limited at this time, the clinical significance of this alteration remains unclear.

Color Diagnostics, LLC DBA Color Health
Classification: Uncertain significance for Hereditary cancer-predisposing syndrome. Last evaluated: 2025-10-14. Review status: criteria provided, single submitter. Criteria: ACMG Guidelines, 2015. Collection method: clinical testing. Allele origin: germline.
Comment: This missense variant replaces lysine with glutamic acid at codon 1543 of the BRCA2 protein. Computational prediction is inconclusive regarding the impact of this variant on protein structure and function. To our knowledge, functional studies have not been reported for this variant. This variant has been reported in a suspected hereditary breast and ovarian cancer family, and multifactorial analyses have reported likelihood ratios of 1.466 for 1 carrier and 1.162 for less than 5 carriers based on personal and family history and case-control data, respectively (PMID: 29161300, 31853058, 39281752). This variant has not been identified in the general population by the Genome Aggregation Database (gnomAD). The available evidence is insufficient to determine the role of this variant in disease conclusively. Therefore, this variant is classified as a Variant of Uncertain Significance.

Labcorp Genetics (formerly Invitae), Labcorp
Classification: Uncertain significance for Hereditary breast ovarian cancer syndrome. Last evaluated: 2025-09-03. Review status: criteria provided, single submitter. Criteria: Invitae Variant Classification Sherloc (09022015). Collection method: clinical testing. Allele origin: germline.
Comment: This sequence change replaces lysine, which is basic and polar, with glutamic acid, which is acidic and polar, at codon 1543 of the BRCA2 protein (p.Lys1543Glu). This variant is not present in population databases (gnomAD no frequency). This missense change has been observed in individual(s) with a personal and/or family history of breast and/or ovarian cancer (PMID: 29161300). ClinVar contains an entry for this variant (Variation ID: 188363). Invitae Evidence Modeling of protein sequence and biophysical properties (such as structural, functional, and spatial information, amino acid conservation, physicochemical variation, residue mobility, and thermodynamic stability) indicates that this missense variant is not expected to disrupt BRCA2 protein function with a negative predictive value of 95%. In summary, the available evidence is currently insufficient to determine the role of this variant in disease. Therefore, it has been classified as a Variant of Uncertain Significance.

Department of Pathology and Laboratory Medicine, Sinai Health System
Classification: Likely benign for Familial cancer of breast; Breast-ovarian cancer, familial, susceptibility to, 2. Last evaluated: 2024-11-20. Review status: criteria provided, single submitter. Criteria: ACMG Guidelines, 2015. Collection method: clinical testing. Allele origin: germline. Affected: yes.

All of Us Research Program, National Institutes of Health
Classification: Uncertain significance for Breast-ovarian cancer, familial, susceptibility to, 2. Last evaluated: 2023-04-27. Review status: criteria provided, single submitter. Criteria: ACMG Guidelines, 2015. Collection method: clinical testing. Allele origin: germline. Inheritance: Autosomal dominant inheritance. Observed: 1 variant allele, 1 heterozygote.
Comment: This study involves interpretation of variants in research participants for the purpose of population health screening. Participant phenotype was not available at the time of variant classification. Additional details can be found in publication PMID: 35346344, PMCID: PMC8962531

University of Washington Department of Laboratory Medicine, University of Washington
Classification: Likely benign for Hereditary cancer-predisposing syndrome. Last evaluated: 2023-03-23. Review status: criteria provided, single submitter. Criteria: Dines et al. (Genet Med. 2020). Collection method: curation. Allele origin: germline.
Comment: Missense variant in a coldspot region where missense variants are very unlikely to be pathogenic (PMID:31911673).

BRCA2 exon 11 coldspot. Reclassification based on statistical prior probability.

Mendelics
Classification: Uncertain significance for Breast-ovarian cancer, familial, susceptibility to, 2. Last evaluated: 2019-05-28. Review status: criteria provided, single submitter. Criteria: Mendelics Assertion Criteria 2017. Collection method: clinical testing. Allele origin: unknown.

Quest Diagnostics Nichols Institute San Juan Capistrano
Classification: Uncertain significance. Last evaluated: 2019-01-11. Review status: criteria provided, single submitter. Criteria: Quest Diagnostics criteria. Collection method: clinical testing. Allele origin: germline.

Literature cited by the submitters: PubMed 29161300 (cited by 5 submitters); PubMed 31853058 (cited by Color Diagnostics, LLC DBA Color Health); PubMed 39281752 (cited by Color Diagnostics, LLC DBA Color Health).